The following is an entry in ClinVar:

NM_016169.4(SUFU):c.1438G>A (p.Asp480Asn)

Gene: SUFU (SUFU negative regulator of hedgehog signaling; plus strand). Cytogenetic location: 10q24.32.
Variant type: single nucleotide variant.
Coding change: c.1438G>A on transcript NM_016169.4 (MANE Select); coding-DNA position 1438, G replaced by A.
Protein change: p.Asp480Asn; replaces aspartic acid 480 with asparagine.
Molecular consequence: missense variant.
Genome position (GRCh38, 1-based): chr10:102,630,138, G>A. VCF-style: chr10-102630138-G-A. GRCh37 (hg19) VCF-style: chr10-104389895-G-A.
Other names: short protein forms D480N.
Identifiers: ClinVar variation 1357596 (VCV001357596.8), dbSNP rs1318484622, ClinGen allele CA377921086.
Genomic context (GRCh38, chr10:102,630,138, plus strand): 5'-AAAGAGTACAGCTGGCCTGAAAAGAAGCTGAAGGTCTCCATCCTGCCTGACGTGGTGTTC[G>A]ACAGTCCGCTACACTAGCCTGGGCTGGGCCCTGCAGTGGCCAGCAGGGAGCCCAGCTGCT-3'
Protein context (NP_057253.2, residues 470-484): KVSILPDVVF[Asp480Asn]SPLH

ClinVar aggregate classification (germline): Uncertain significance. Review status: criteria provided, multiple submitters, no conflicts (2 of 4 stars). 2 submissions from 2 submitters: Uncertain significance (2). Last evaluated 2026-01-27.

Conditions:
Hereditary cancer-predisposing syndrome. Also called: Hereditary Cancer Syndrome; Hereditary neoplastic syndrome; Tumor predisposition; Neoplastic Syndromes, Hereditary. Identifiers: Orphanet 140162, MedGen C0027672, MeSH D009386, MONDO:0015356.
Medulloblastoma (MDB). Also called: MEDULLOBLASTOMA PREDISPOSITION SYNDROME; Medulloblastoma, somatic. Identifiers: Orphanet 616, MedGen C0025149, MeSH D008527, MONDO:0007959, OMIM 155255, HP:0002885.
Gorlin syndrome. Also called: Basal cell nevus syndrome; Nevoid Basal Cell Carcinoma Syndrome. Identifiers: Orphanet 377, MedGen C0004779, MONDO:0007187.

Allele frequency attached by ClinVar (database versions not stated): gnomAD exomes below 0.00001.
gnomAD v4.1: 2 of 1,614,166 alleles (0.00012%); highest among the groups gnomAD compares: Non-Finnish European, 0.00017%; no homozygotes.

Submissions (2):

Labcorp Genetics (formerly Invitae), Labcorp
Classification: Uncertain significance for Gorlin syndrome; Medulloblastoma. Last evaluated: 2026-01-27. Review status: criteria provided, single submitter. Criteria: Invitae Variant Classification Sherloc (09022015). Collection method: clinical testing. Allele origin: germline.
Comment: This sequence change replaces aspartic acid, which is acidic and polar, with asparagine, which is neutral and polar, at codon 480 of the SUFU protein (p.Asp480Asn). This variant is not present in population databases (gnomAD no frequency). This variant has not been reported in the literature in individuals affected with SUFU-related conditions. ClinVar contains an entry for this variant (Variation ID: 1357596). An algorithm developed to predict the effect of missense changes on protein structure and function (PolyPhen-2) suggests that this variant is likely to be disruptive. In summary, the available evidence is currently insufficient to determine the role of this variant in disease. Therefore, it has been classified as a Variant of Uncertain Significance.

Ambry Genetics
Classification: Uncertain significance for Hereditary cancer-predisposing syndrome. Last evaluated: 2025-10-10. Review status: criteria provided, single submitter. Criteria: Ambry Variant Classification Scheme 2023. Collection method: clinical testing. Allele origin: germline.
Comment: The p.D480N variant (also known as c.1438G>A), located in coding exon 12 of the SUFU gene, results from a G to A substitution at nucleotide position 1438. The aspartic acid at codon 480 is replaced by asparagine, an amino acid with highly similar properties. This amino acid position is conserved. In addition, this alteration is predicted to be tolerated by in silico analysis. Since supporting evidence is limited at this time, the clinical significance of this alteration remains unclear.